The following is an entry in ClinVar:

NM_080669.6(SLC46A1):c.752T>C (p.Ile251Thr)

Gene: SLC46A1 (solute carrier family 46 member 1; minus strand). Cytogenetic location: 17q11.2.
Variant type: single nucleotide variant.
Coding change: c.752T>C on transcript NM_080669.6 (MANE Select); coding-DNA position 752, T replaced by C.
Protein change: p.Ile251Thr; replaces isoleucine 251 with threonine.
Molecular consequence: missense variant.
Genome position (GRCh38, 1-based): chr17:28,404,945, A>G on the plus strand (T>C on the coding strand, the complement: SLC46A1 is on the minus strand). VCF-style: chr17-28404945-A-G. GRCh37 (hg19) VCF-style: chr17-26731963-A-G.
Other names: c.752T>C, p.Ile251Thr (NM_001242366.3); short protein forms I251T.
Identifiers: ClinVar variation 322406 (VCV000322406.6), dbSNP rs782457383, ClinGen allele CA8458282.
Genomic context (GRCh38, chr17:28,404,945, plus strand): 5'-GAGTAGAGGGCTAAATGTTTCCTGGACTTCTCTGGGGCGGGAGCCACATAGAGCTGGACA[A>G]TGGATCGGTGGTGACGGAACGTGAAGAGCCGGGTGGACTTTGGCTCCTTTAAGGTCTCAC-3'
Protein context (NP_542400.2, residues 241-261): RLFTFRHHRS[Ile251Thr]VQLYVAPAPE

ClinVar aggregate classification (germline): Uncertain significance. Review status: criteria provided, multiple submitters, no conflicts (2 of 4 stars). 2 submissions from 2 submitters: Uncertain significance (2). Last evaluated 2022-08-04.

Conditions:
Congenital defect of folate absorption. Also called: Hereditary Folate Malabsorption. Identifiers: Orphanet 90045, MedGen C0342705, MONDO:0009238, OMIM 229050.

Allele frequency attached by ClinVar (database versions not stated): ExAC 0.00001; gnomAD exomes 0.00001; TOPMed 0.00002; gnomAD 0.00003.

Submissions (2):

Labcorp Genetics (formerly Invitae), Labcorp
Classification: Uncertain significance. Last evaluated: 2022-08-04. Review status: criteria provided, single submitter. Criteria: Invitae Variant Classification Sherloc (09022015). Collection method: clinical testing. Allele origin: germline.
Comment: This sequence change replaces isoleucine, which is neutral and non-polar, with threonine, which is neutral and polar, at codon 251 of the SLC46A1 protein (p.Ile251Thr). This variant is present in population databases (rs782457383, gnomAD 0.003%). This variant has not been reported in the literature in individuals affected with SLC46A1-related conditions. ClinVar contains an entry for this variant (Variation ID: 322406). Experimental studies and prediction algorithms are not available or were not evaluated, and the functional significance of this variant is currently unknown. In summary, the available evidence is currently insufficient to determine the role of this variant in disease. Therefore, it has been classified as a Variant of Uncertain Significance.

Illumina Laboratory Services, Illumina
Classification: Uncertain significance for Congenital defect of folate absorption. Last evaluated: 2018-01-13. Review status: criteria provided, single submitter. Criteria: ICSL Variant Classification Criteria 13 December 2019. Collection method: clinical testing. Allele origin: germline.